The following is an entry in ClinVar:

ClinVar aggregate classification (germline): Uncertain significance (1 of 4 stars; one submission).

gnomAD v4.1: 1 of 1,613,820 alleles (0.000062%); highest among the groups gnomAD compares: Admixed American, 0.0017%; no homozygotes.

Submission:

Women's Health and Genetics/Laboratory Corporation of America, LabCorp
Classification: Uncertain significance. Last evaluated: 2026-03-27. Review status: criteria provided, single submitter. Criteria: LabCorp Variant Classification Summary - May 2015. Collection method: clinical testing. Allele origin: germline.
Comment: Variant summary: POMT1 c.1891G>T (p.Asp631Tyr) results in a non-conservative amino acid change in the encoded protein sequence. Algorithms developed to predict the effect of missense changes on protein structure and function all suggest that this variant is likely to be disruptive. Several computational tools predict a significant impact on normal splicing: Two predict the variant abolishes a 5' splicing donor site. Three predict the variant weakens a 5' donor site. However, these predictions have yet to be confirmed by functional studies. The variant allele was found at a frequency of 4e-06 in 251340 control chromosomes. The available data on variant occurrences in the general population are insufficient to allow any conclusion about variant significance. To our knowledge, no occurrence of c.1891G>T in individuals affected with POMT1-related conditions and no experimental evidence demonstrating its impact on protein function have been reported. No submitters have cited clinical-significance assessments for this variant to ClinVar. Based on the evidence outlined above, the variant was classified as uncertain significance.

NM_001077365.2(POMT1):c.1825G>T (p.Asp609Tyr)

Gene: POMT1 (protein O-mannosyltransferase 1; plus strand). Cytogenetic location: 9q34.13.
Variant type: single nucleotide variant.
Coding change: c.1825G>T on transcript NM_001077365.2 (MANE Select); coding-DNA position 1825, G replaced by T.
Protein change: p.Asp609Tyr; replaces aspartic acid 609 with tyrosine.
Molecular consequence: missense variant. On other transcripts: non-coding transcript variant (10).
Genome position (GRCh38, 1-based): chr9:131,521,472, G>T. VCF-style: chr9-131521472-G-T. GRCh37 (hg19) VCF-style: chr9-134396859-G-T.
Other names: c.1663G>T, p.Asp555Tyr (NM_001077366.2, NM_001353194.2); c.1825G>T, p.Asp609Tyr (NM_001136113.2); c.1474G>T, p.Asp492Tyr (NM_001136114.2, NM_001353195.2, NM_001374691.1 and 2 more transcripts); c.1891G>T, p.Asp631Tyr (NM_001353193.2, NM_007171.4); c.1735G>T, p.Asp579Tyr (NM_001353196.2); c.1729G>T, p.Asp577Tyr (NM_001353197.2, NM_001353198.2); c.1540G>T, p.Asp514Tyr (NM_001353199.2); c.1369G>T, p.Asp457Tyr (NM_001353200.2); and 4 more; short protein forms D232Y, D457Y, D479Y, D492Y, D514Y, D536Y, D555Y, D577Y.
Identifiers: ClinVar variation 4847629 (VCV004847629.1).